The following is an entry in ClinVar:

ClinVar aggregate classification (germline): Conflicting classifications of pathogenicity. Review status: criteria provided, conflicting classifications (1 of 4 stars). 5 submissions from 5 submitters: Uncertain significance (1); Benign (1); Likely benign (3). Last evaluated 2025-02-10.

Conditions:
Hereditary cancer-predisposing syndrome. Also called: Tumor predisposition; Hereditary Cancer Syndrome; Neoplastic Syndromes, Hereditary; Hereditary neoplastic syndrome. Identifiers: Orphanet 140162, MedGen C0027672, MeSH D009386, MONDO:0015356.
Familial cancer of breast. Also called: Hereditary breast cancer; hereditary breast carcinoma; BREAST CANCER, FAMILIAL. Identifiers: Orphanet 227535, MedGen C0346153, MONDO:0016419, OMIM 114480. Disease mechanism: loss of function.
Ataxia-telangiectasia syndrome (AT). Also called: Cerebello-oculocutaneous telangiectasia; Immunodeficiency with ataxia telangiectasia; Ataxia-telangiectasia, complementation group D; AT, COMPLEMENTATION GROUP C; Ataxia-telangiectasia, complementation group E; LOUIS-BAR SYNDROME. Identifiers: Orphanet 100, MedGen C0004135, MONDO:0008840, OMIM 208900.

Allele frequency attached by ClinVar (database versions not stated): gnomAD exomes below 0.00001.
gnomAD v4.1: 4 of 1,611,242 alleles (0.00025%); highest among the groups gnomAD compares: Non-Finnish European, 0.00025%; no homozygotes.

Submissions (5):

Labcorp Genetics (formerly Invitae), Labcorp
Classification: Likely benign for Ataxia-telangiectasia syndrome. Last evaluated: 2025-02-10. Review status: criteria provided, single submitter. Criteria: Invitae Variant Classification Sherloc (09022015). Collection method: clinical testing. Allele origin: germline.

Myriad Genetics, Inc.
Classification: Benign for Familial cancer of breast. Last evaluated: 2024-05-02. Review status: criteria provided, single submitter. Criteria: Myriad Autosomal Dominant, Autosomal Recessive and X-Linked Classification Criteria (2023). Collection method: clinical testing. Allele origin: unknown.
Comment: This variant is considered benign. This variant is a silent/synonymous amino acid change and it is not expected to impact splicing.

Quest Diagnostics Nichols Institute San Juan Capistrano
Classification: Uncertain significance. Last evaluated: 2024-04-10. Review status: criteria provided, single submitter. Criteria: Quest Diagnostics criteria. Collection method: clinical testing. Allele origin: unknown.

Department of Pathology and Laboratory Medicine, Sinai Health System
Classification: Likely benign for Familial cancer of breast. Last evaluated: 2023-11-17. Review status: criteria provided, single submitter. Criteria: ACMG Guidelines, 2015. Collection method: clinical testing. Allele origin: germline. Affected: yes.

Ambry Genetics
Classification: Likely benign for Hereditary cancer-predisposing syndrome. Last evaluated: 2019-03-09. Review status: criteria provided, single submitter. Criteria: Ambry Variant Classification Scheme 2023. Collection method: clinical testing. Allele origin: germline.

NM_000051.4(ATM):c.1881C>T (p.Phe627=)

Gene: ATM (ATM serine/threonine kinase; plus strand). Cytogenetic location: 11q22.3.
Variant type: single nucleotide variant.
Coding change: c.1881C>T on transcript NM_000051.4 (MANE Select); coding-DNA position 1881, C replaced by T.
Protein change: p.Phe627=; no amino-acid change (phenylalanine 627 retained).
Molecular consequence: synonymous variant.
Genome position (GRCh38, 1-based): chr11:108,252,895, C>T. VCF-style: chr11-108252895-C-T. GRCh37 (hg19) VCF-style: chr11-108123622-C-T.
Other names: c.1881C>T, p.Phe627= (NM_001351834.2).
Identifiers: ClinVar variation 453390 (VCV000453390.18), dbSNP rs1555072574, ClinGen allele CA476672251.